The following is an entry in ClinVar:

NM_001110556.2(FLNA):c.2366C>T (p.Pro789Leu)

Gene: FLNA (filamin A; minus strand). Cytogenetic location: Xq28.
Variant type: single nucleotide variant.
Coding change: c.2366C>T on transcript NM_001110556.2 (MANE Select); coding-DNA position 2366, C replaced by T.
Protein change: p.Pro789Leu; replaces proline 789 with leucine.
Molecular consequence: missense variant.
Genome position (GRCh38, 1-based): chrX:154,362,699, G>A on the plus strand (C>T on the coding strand, the complement: FLNA is on the minus strand). VCF-style: chrX-154362699-G-A. GRCh37 (hg19) VCF-style: chrX-153591067-G-A.
Other names: c.2366C>T, p.Pro789Leu (NM_001456.4); short protein forms P789L.
Identifiers: ClinVar variation 2938886 (VCV002938886.3), dbSNP rs2522749572, ClinGen allele CA415237314.

ClinVar aggregate classification (germline): Uncertain significance (1 of 4 stars; one submission).

Conditions:
Oto-palato-digital syndrome, type II (OPD2). Also called: FACIOPALATOOSSEOUS SYNDROME; OPD II SYNDROME; Otopalatodigital Syndrome, Type II; Otopalatodigital Syndrome Type 2 (FLNA-OPD2). Identifiers: Orphanet 669, Orphanet 90652, MedGen C1844696, MONDO:0010571, OMIM 304120.
Heterotopia, periventricular, X-linked dominant (PVNH1). Also called: PERIVENTRICULAR NODULAR HETEROTOPIA 1; X-linked periventricular heterotopia; PERIVENTRICULAR NODULAR HETEROTOPIA 4; HETEROTOPIA, PERIVENTRICULAR, 1. Identifiers: Orphanet 2149, Orphanet 82004, MedGen C1848213, MONDO:0010233, OMIM 300049.
Frontometaphyseal dysplasia (FMD1). Identifiers: Orphanet 1826, MedGen C0265293, MONDO:0015942.
Melnick-Needles syndrome (MNS). Also called: MELNICK-NEEDLES OSTEODYSPLASTY; OSTEODYSPLASTY OF MELNICK AND NEEDLES; Melnick-Needles Syndrome (FLNA-MNS). Identifiers: Orphanet 2484, MedGen C0025237, MONDO:0010650, OMIM 309350.

Submission:

Labcorp Genetics (formerly Invitae), Labcorp
Classification: Uncertain significance for Oto-palato-digital syndrome, type II; Heterotopia, periventricular, X-linked dominant; Frontometaphyseal dysplasia; Melnick-Needles syndrome. Last evaluated: 2023-09-22. Review status: criteria provided, single submitter. Criteria: Invitae Variant Classification Sherloc (09022015). Collection method: clinical testing. Allele origin: germline.
Comment: In summary, the available evidence is currently insufficient to determine the role of this variant in disease. Therefore, it has been classified as a Variant of Uncertain Significance. Advanced modeling of protein sequence and biophysical properties (such as structural, functional, and spatial information, amino acid conservation, physicochemical variation, residue mobility, and thermodynamic stability) has been performed at Invitae for this missense variant, however the output from this modeling did not meet the statistical confidence thresholds required to predict the impact of this variant on FLNA protein function. This variant has not been reported in the literature in individuals affected with FLNA-related conditions. This variant is not present in population databases (gnomAD no frequency). This sequence change replaces proline, which is neutral and non-polar, with leucine, which is neutral and non-polar, at codon 789 of the FLNA protein (p.Pro789Leu).